The following is an entry in ClinVar:

ClinVar aggregate classification (germline): Benign (1 of 4 stars; one submission).

Conditions:
Hereditary diffuse gastric adenocarcinoma (HDGC). Also called: DIFFUSE GASTRIC AND LOBULAR BREAST CANCER SYNDROME. Identifiers: Orphanet 26106, MedGen C1708349, MONDO:0007648, OMIM 137215.

Submission:

Myriad Genetics, Inc.
Classification: Benign for Hereditary diffuse gastric adenocarcinoma. Last evaluated: 2024-10-14. Review status: criteria provided, single submitter. Criteria: Myriad Autosomal Dominant, Autosomal Recessive and X-Linked Classification Criteria (2023). Collection method: clinical testing. Allele origin: unknown.
Comment: This variant is considered benign. This variant is a silent/synonymous amino acid change and it is not expected to impact splicing.

NM_001903.5(CTNNA1):c.1767G>A (p.Glu589=)

Gene: CTNNA1 (catenin alpha 1; plus strand). Cytogenetic location: 5q31.2.
Variant type: single nucleotide variant.
Coding change: c.1767G>A on transcript NM_001903.5 (MANE Select); coding-DNA position 1767, G replaced by A.
Protein change: p.Glu589=; no amino-acid change (glutamic acid 589 retained).
Molecular consequence: synonymous variant.
Genome position (GRCh38, 1-based): chr5:138,925,275, G>A. VCF-style: chr5-138925275-G-A. GRCh37 (hg19) VCF-style: chr5-138260964-G-A.
Other names: c.1767G>A, p.Glu589= (NM_001290307.3, NM_001323982.2, NM_001323983.1 and 2 more transcripts); c.1458G>A, p.Glu486= (NM_001290309.3); c.1398G>A, p.Glu466= (NM_001290310.3); c.657G>A, p.Glu219= (NM_001290312.1, NM_001323987.1, NM_001323988.1 and 17 more transcripts); c.1674G>A, p.Glu558= (NM_001323986.2); c.318G>A, p.Glu106= (NM_001324006.1, NM_001324007.1, NM_001324008.1 and 2 more transcripts); c.564G>A, p.Glu188= (NM_001324011.1); c.414G>A, p.Glu138= (NM_001324012.1, NM_001324013.1).
Identifiers: ClinVar variation 3773200 (VCV003773200.1).